The following is an entry in ClinVar:

ClinVar aggregate classification (germline): Conflicting classifications of pathogenicity. Review status: criteria provided, conflicting classifications (1 of 4 stars). 3 submissions from 3 submitters: Uncertain significance (1); Likely benign (2). Last evaluated 2025-01-06.

Conditions:
Spinocerebellar ataxia type 19/22 (SCA19). Also called: SPINOCEREBELLAR ATAXIA 22; SPINOCEREBELLAR ATAXIA 19. Identifiers: Orphanet 98772, MedGen C1846367, MONDO:0011819, OMIM 607346.
Cardiovascular phenotype. Identifiers: MedGen CN230736.

Allele frequency attached by ClinVar (database versions not stated): ExAC 0.00006; gnomAD exomes 0.00009; gnomAD 0.00004; TOPMed 0.00005; ESP Exome Variant Server 0.00023.
gnomAD v4.1: 136 of 1,613,988 alleles (0.0084%); highest among the groups gnomAD compares: Non-Finnish European, 0.011%; no homozygotes.

Submissions (3):

Labcorp Genetics (formerly Invitae), Labcorp
Classification: Likely benign for Spinocerebellar ataxia type 19/22. Last evaluated: 2025-01-06. Review status: criteria provided, single submitter. Criteria: Invitae Variant Classification Sherloc (09022015). Collection method: clinical testing. Allele origin: germline.

Ambry Genetics
Classification: Likely benign for Cardiovascular phenotype. Last evaluated: 2024-01-08. Review status: criteria provided, single submitter. Criteria: Ambry Variant Classification Scheme 2023. Collection method: clinical testing. Allele origin: germline.

Athena Diagnostics
Classification: Uncertain significance. Last evaluated: 2023-06-06. Review status: criteria provided, single submitter. Criteria: Athena Diagnostics Criteria. Collection method: clinical testing. Allele origin: unknown.
Comment: Available data are insufficient to determine the clinical significance of the variant at this time. The frequency of this variant in the general population is higher than would generally be expected for pathogenic variants in this gene. Computational tools disagree on the variant's effect on normal protein function.

Literature cited by the submitters: PubMed 22584458 (cited by Ambry Genetics and Athena Diagnostics); PubMed 23834499 (cited by Ambry Genetics).

NM_001378969.1(KCND3):c.1696C>T (p.Arg566Cys)

Gene: KCND3 (potassium voltage-gated channel subfamily D member 3; minus strand). Cytogenetic location: 1p13.2.
Variant type: single nucleotide variant.
Coding change: c.1696C>T on transcript NM_001378969.1 (MANE Select); coding-DNA position 1696, C replaced by T.
Protein change: p.Arg566Cys; replaces arginine 566 with cysteine.
Molecular consequence: missense variant.
Genome position (GRCh38, 1-based): chr1:111,777,096, G>A on the plus strand (C>T on the coding strand, the complement: KCND3 is on the minus strand). VCF-style: chr1-111777096-G-A. GRCh37 (hg19) VCF-style: chr1-112319718-G-A.
Other names: c.1639C>T, p.Arg547Cys (NM_001378970.1, NM_172198.3); c.1696C>T, p.Arg566Cys (NM_004980.5); short protein forms R547C, R566C.
Identifiers: ClinVar variation 1778229 (VCV001778229.8), dbSNP rs139901716, ClinGen allele CA1007372.